The following is an entry in ClinVar:

NM_000051.4(ATM):c.8269-20T>C

Genes: ATM (ATM serine/threonine kinase; plus strand), C11orf65 (chromosome 11 open reading frame 65; minus strand). Cytogenetic location: 11q22.3.
Variant type: single nucleotide variant.
Coding change: c.8269-20T>C on transcript NM_000051.4 (MANE Select); 20 bases into the intron before coding-DNA position 8269, T replaced by C.
Molecular consequence: intron variant.
Genome position (GRCh38, 1-based): chr11:108,343,202, T>C. VCF-style: chr11-108343202-T-C. GRCh37 (hg19) VCF-style: chr11-108213929-T-C.
Other names: c.8269-20T>C (NM_001351834.2); c.641-34131A>G (NM_001330368.2); c.695-7910A>G (NM_001351110.2).
Identifiers: ClinVar variation 2706340 (VCV002706340.4), dbSNP rs1002024188, ClinGen allele CA228364677.

ClinVar aggregate classification (germline): Likely benign. Review status: criteria provided, multiple submitters, no conflicts (2 of 4 stars). 2 submissions from 2 submitters: Likely benign (2). Last evaluated 2024-06-19.

Conditions:
Ataxia-telangiectasia syndrome (AT). Also called: LOUIS-BAR SYNDROME; Cerebello-oculocutaneous telangiectasia; Immunodeficiency with ataxia telangiectasia; Ataxia telangiectasia (A-T); Ataxia-telangiectasia, complementation group D; AT, COMPLEMENTATION GROUP C. Identifiers: Orphanet 100, MedGen C0004135, MONDO:0008840, OMIM 208900.
Familial cancer of breast. Also called: BREAST CANCER, FAMILIAL; Hereditary breast cancer; hereditary breast carcinoma. Identifiers: Orphanet 227535, MedGen C0346153, MONDO:0016419, OMIM 114480. Disease mechanism: loss of function.

Allele frequency attached by ClinVar (database versions not stated): TOPMed 0.00001.

Submissions (2):

Myriad Genetics, Inc.
Classification: Likely benign for Familial cancer of breast. Last evaluated: 2024-06-19. Review status: criteria provided, single submitter. Criteria: Myriad Autosomal Dominant, Autosomal Recessive and X-Linked Classification Criteria (2023). Collection method: clinical testing. Allele origin: unknown.
Comment: This variant is considered likely benign. This variant is intronic and is not expected to impact mRNA splicing.

Labcorp Genetics (formerly Invitae), Labcorp
Classification: Likely benign for Ataxia-telangiectasia syndrome. Last evaluated: 2023-12-30. Review status: criteria provided, single submitter. Criteria: Invitae Variant Classification Sherloc (09022015). Collection method: clinical testing. Allele origin: germline.